The following is an entry in ClinVar:

NM_015450.3(POT1):c.1485A>T (p.Gln495His)

Gene: POT1 (protection of telomeres 1; minus strand). Cytogenetic location: 7q31.33.
Variant type: single nucleotide variant.
Coding change: c.1485A>T on transcript NM_015450.3 (MANE Select); coding-DNA position 1485, A replaced by T.
Protein change: p.Gln495His; replaces glutamine 495 with histidine.
Molecular consequence: missense variant. On other transcripts: non-coding transcript variant (3).
Genome position (GRCh38, 1-based): chr7:124,835,299, T>A on the plus strand (A>T on the coding strand, the complement: POT1 is on the minus strand). VCF-style: chr7-124835299-T-A. GRCh37 (hg19) VCF-style: chr7-124475353-T-A.
Other names: c.1092A>T, p.Gln364His (NM_001042594.2); short protein forms Q495H, Q364H.
Identifiers: ClinVar variation 3423151 (VCV003423151.1).

ClinVar aggregate classification (germline): Uncertain significance (1 of 4 stars; one submission).

Conditions:
Hereditary cancer-predisposing syndrome. Also called: Neoplastic Syndromes, Hereditary; Tumor predisposition; Hereditary Cancer Syndrome; Hereditary neoplastic syndrome. Identifiers: Orphanet 140162, MedGen C0027672, MeSH D009386, MONDO:0015356.

Submission:

Ambry Genetics
Classification: Uncertain significance for Hereditary cancer-predisposing syndrome. Last evaluated: 2024-11-26. Review status: criteria provided, single submitter. Criteria: Ambry Variant Classification Scheme 2023. Collection method: clinical testing. Allele origin: germline.
Comment: The p.Q495H variant (also known as c.1485A>T), located in coding exon 11 of the POT1 gene, results from an A to T substitution at nucleotide position 1485. The glutamine at codon 495 is replaced by histidine, an amino acid with highly similar properties. This amino acid position is conserved. In addition, this alteration is predicted to be tolerated by in silico analysis. Based on the available evidence, the clinical significance of this variant remains unclear.